The following is an entry in ClinVar:

NM_152743.4(BRAT1):c.424G>A (p.Asp142Asn)

Gene: BRAT1 (BRCA1 associated ATM activator 1; minus strand). Cytogenetic location: 7p22.3.
Variant type: single nucleotide variant.
Coding change: c.424G>A on transcript NM_152743.4 (MANE Select); coding-DNA position 424, G replaced by A.
Protein change: p.Asp142Asn; replaces aspartic acid 142 with asparagine.
Molecular consequence: missense variant. On other transcripts: non-coding transcript variant (1), intron variant (1).
Genome position (GRCh38, 1-based): chr7:2,544,915, C>T on the plus strand (G>A on the coding strand, the complement: BRAT1 is on the minus strand). VCF-style: chr7-2544915-C-T. GRCh37 (hg19) VCF-style: chr7-2584549-C-T.
Other names: c.424G>A, p.Asp142Asn (NM_001350626.2); c.-95-953G>A (NM_001350627.2); short protein forms D142N.
Identifiers: ClinVar variation 1053523 (VCV001053523.12), dbSNP rs183545975, ClinGen allele CA4128220.
Genomic context (GRCh38, chr7:2,544,915, plus strand): 5'-CCCTGGGATCACACAGGCAGGATGAGGAATGGGGTGGGGTGTGGGCGCACTCACCATGGT[C>T]GGCCAGGAAGCGCAGGGCGCTGGGGTGCTGTGCCAGGGAGCGCAGGCCCTGGATCCAGCC-3'
Protein context (NP_689956.2, residues 132-152): QHPSALRFLA[Asp142Asn]HGAVDTIFSL

ClinVar aggregate classification (germline): Conflicting classifications of pathogenicity. Review status: criteria provided, conflicting classifications (1 of 4 stars). 4 submissions from 4 submitters: Uncertain significance (3); Likely benign (1). Last evaluated 2025-11-05.

Conditions:
Neonatal-onset encephalopathy with rigidity and seizures. Also called: Lethal neonatal spasticity-epileptic encephalopathy syndrome. Identifiers: Orphanet 435845, MedGen C3281029, MONDO:0013784, OMIM 614498.
Inborn genetic diseases. Identifiers: MedGen C0950123, MeSH D030342.

Allele frequency attached by ClinVar (database versions not stated): TOPMed 0.00011; gnomAD 0.00017 and 0.00019; gnomAD exomes 0.00017 and 0.00020; ExAC 0.00011.
gnomAD v4.1: 296 of 1,550,110 alleles (0.019%); highest among the groups gnomAD compares: Non-Finnish European, 0.022%; no homozygotes.

Submissions (4):

Labcorp Genetics (formerly Invitae), Labcorp
Classification: Likely benign for Neonatal-onset encephalopathy with rigidity and seizures. Last evaluated: 2025-11-05. Review status: criteria provided, single submitter. Criteria: Invitae Variant Classification Sherloc (09022015). Collection method: clinical testing. Allele origin: germline.

GeneDx
Classification: Uncertain significance. Last evaluated: 2025-08-25. Review status: criteria provided, single submitter. Criteria: GeneDx Variant Classification Process June 2021. Collection method: clinical testing. Allele origin: germline. Affected: yes.
Comment: In silico analysis suggests that this missense variant does not alter protein structure/function; Has not been previously published as pathogenic or benign to our knowledge

Ambry Genetics
Classification: Uncertain significance for Inborn genetic diseases. Last evaluated: 2024-10-06. Review status: criteria provided, single submitter. Criteria: Ambry Variant Classification Scheme 2023. Collection method: clinical testing. Allele origin: germline.

Revvity Omics, Revvity
Classification: Uncertain significance. Last evaluated: 2022-06-03. Review status: criteria provided, single submitter. Criteria: ACMG Guidelines, 2015. Collection method: clinical testing. Allele origin: germline.